The following is an entry in ClinVar:

NM_001242896.3(DEPDC5):c.280-4_282del

Gene: DEPDC5 (DEP domain containing 5, GATOR1 subcomplex subunit; plus strand). Cytogenetic location: 22q12.2.
Variant type: Deletion.
Coding change: c.280-4_282del on transcript NM_001242896.3 (MANE Select); 4 bases into the intron before coding-DNA position 280 through coding-DNA position 282, 7 bases deleted (TTAGGAT; older notation c.280-4_282delTTAGGAT).
Molecular consequence: splice acceptor variant. On other transcripts: intron variant (2).
Genome position (GRCh38, 1-based): chr22:31,766,581-31,766,587, TTAGGAT deleted; deleting any 7 consecutive bases within chr22:31,766,580-31,766,587 gives the same sequence; the c. name uses the placement nearest the transcript's 3' end. VCF-style (leftmost placement, unchanged base first): chr22-31766579-TTTTAGGA-T. GRCh37 (hg19) VCF-style: chr22-32162565-TTTTAGGA-T.
Other names: c.280-4_282del (NM_001364318.2, NM_001136029.4, NM_014662.6 and 7 more transcripts); c.279+1521_279+1527del (NM_001369902.1, NM_001369901.1).
Identifiers: ClinVar variation 2866136 (VCV002866136.3), dbSNP rs2517945218, ClinGen allele CA2739267898.

ClinVar aggregate classification (germline): Likely pathogenic (1 of 4 stars; one submission).

Conditions:
Familial focal epilepsy with variable foci (FPEVF). Identifiers: Orphanet 98820, MedGen C1858477, MONDO:0020310.

Submission:

Labcorp Genetics (formerly Invitae), Labcorp
Classification: Likely pathogenic for Familial focal epilepsy with variable foci. Last evaluated: 2023-07-25. Review status: criteria provided, single submitter. Criteria: Invitae Variant Classification Sherloc (09022015). Collection method: clinical testing. Allele origin: germline.
Comment: In summary, the currently available evidence indicates that the variant is pathogenic, but additional data are needed to prove that conclusively. Therefore, this variant has been classified as Likely Pathogenic. Algorithms developed to predict the effect of sequence changes on RNA splicing suggest that this variant may disrupt the consensus splice site. This variant has been observed in individual(s) with clinical features of autosomal dominant DEPDC5-related conditions (Invitae). This variant is not present in population databases (gnomAD no frequency). This variant results in the deletion of part of exon 6 (c.280-4_282del) of the DEPDC5 gene. It is expected to disrupt RNA splicing. Variants that disrupt the donor or acceptor splice site typically lead to a loss of protein function (PMID: 16199547), and loss-of-function variants in DEPDC5 are known to be pathogenic (PMID: 23542697, 23542701).

Literature cited by the submitters: PubMed 16199547; PubMed 23542697; PubMed 23542701.